The following is an entry in ClinVar:

ClinVar aggregate classification (germline): Uncertain significance (1 of 4 stars; one submission).

Allele frequency attached by ClinVar (database versions not stated): gnomAD exomes below 0.00001; ExAC 0.00001; gnomAD 0.00001; TOPMed 0.00003.
gnomAD v4.1: 6 of 1,612,508 alleles (0.00037%); highest among the groups gnomAD compares: Non-Finnish European, 0.00034%; no homozygotes.

Submission:

GeneDx
Classification: Uncertain significance. Last evaluated: 2014-09-15. Review status: criteria provided, single submitter. Criteria: GeneDx Variant Classification (06012015). Collection method: clinical testing. Allele origin: germline. Affected: yes.
Comment: p.Val119Ile (GTC>ATC): c.355 G>A in exon 5 of the NDUFS7 gene (NM_024407.4). The V119I variant has not been published as a mutation, nor has it been reported as a benign polymorphism to our knowledge. The V119I variant is a conservative amino acid substitution, which is not likely to impact secondary protein structure as these residues share similar properties. This substitution occurs at a position that is conserved across species and a missense mutation in a nearby residue (V122M) has been reported in association with Leigh syndrome, supporting the functional importance of this region of the protein. In silico analysis is inconsistent in its predictions as to whether or not the variant is damaging to the protein structure/function. Therefore, based on the currently available information, it is unclear whether this variant is a pathogenic mutation or a rare benign variant. The variant is found in MITONUC-MITOP panel(s).

NM_024407.5(NDUFS7):c.355G>A (p.Val119Ile)

Gene: NDUFS7 (NADH:ubiquinone oxidoreductase core subunit S7; plus strand). Cytogenetic location: 19p13.3.
Variant type: single nucleotide variant.
Coding change: c.355G>A on transcript NM_024407.5 (MANE Select); coding-DNA position 355, G replaced by A.
Protein change: p.Val119Ile; replaces valine 119 with isoleucine.
Molecular consequence: missense variant.
Genome position (GRCh38, 1-based): chr19:1,390,997, G>A. VCF-style: chr19-1390997-G-A. GRCh37 (hg19) VCF-style: chr19-1390996-G-A.
Other names: c.355G>A, p.Val119Ile (NM_001363602.2); short protein forms V119I.
Identifiers: ClinVar variation 214832 (VCV000214832.2), dbSNP rs766542750, ClinGen allele CA324811.